The following is an entry in ClinVar:

ClinVar aggregate classification (germline): Conflicting classifications of pathogenicity. Review status: criteria provided, conflicting classifications (1 of 4 stars). 4 submissions from 4 submitters: Uncertain significance (1); Likely benign (2). 1 of the submissions does not count toward it. Last evaluated 2025-12-08.

Conditions:
TRIM32-related disorder. Also called: TRIM32-related condition.
Bardet-Biedl syndrome (BBS). Identifiers: Orphanet 110, MedGen C0752166, MONDO:0015229.

Allele frequency attached by ClinVar (database versions not stated): gnomAD exomes 0.00001 and 0.00002; gnomAD 0.00003 and 0.00004; ExAC 0.00004; TOPMed 0.00005.
gnomAD v4.1: 23 of 1,614,110 alleles (0.0014%); highest among the groups gnomAD compares: African/African-American, 0.013%; no homozygotes.

Submissions (4):

Labcorp Genetics (formerly Invitae), Labcorp
Classification: Likely benign for Bardet-Biedl syndrome. Last evaluated: 2025-12-08. Review status: criteria provided, single submitter. Criteria: Invitae Variant Classification Sherloc (09022015). Collection method: clinical testing. Allele origin: germline.

GeneDx
Classification: Likely benign. Last evaluated: 2017-04-13. Review status: criteria provided, single submitter. Criteria: GeneDx Variant Classification (06012015). Collection method: clinical testing. Allele origin: germline. Affected: yes.
Comment: This variant is considered likely benign or benign based on one or more of the following criteria: it is a conservative change, it occurs at a poorly conserved position in the protein, it is predicted to be benign by multiple in silico algorithms, and/or has population frequency not consistent with disease.

Eurofins Ntd Llc (ga)
Classification: Uncertain significance. Last evaluated: 2015-01-09. Review status: criteria provided, single submitter. Criteria: EGL Classification Definitions 2015. Collection method: clinical testing. Allele origin: germline. Observed: 2 variant alleles, 2 heterozygotes.

PreventionGenetics, part of Exact Sciences
Classification: Likely benign for TRIM32-related condition. Last evaluated: 2019-10-01. Review status: no assertion criteria provided. Collection method: clinical testing. Allele origin: germline. Not counted in ClinVar's aggregate classification.
Comment: This variant is classified as likely benign based on ACMG/AMP sequence variant interpretation guidelines (Richards et al. 2015 PMID: 25741868, with internal and published modifications).

NM_012210.4(TRIM32):c.1134C>T (p.Tyr378=)

Genes: ASTN2 (astrotactin 2; minus strand), TRIM32 (tripartite motif containing 32; plus strand). Cytogenetic location: 9q33.1.
Variant type: single nucleotide variant.
Coding change: c.1134C>T on transcript NM_012210.4 (MANE Select); coding-DNA position 1134, C replaced by T.
Protein change: p.Tyr378=; no amino-acid change (tyrosine 378 retained).
Molecular consequence: synonymous variant. On other transcripts: intron variant (3).
Genome position (GRCh38, 1-based): chr9:116,698,876, C>T. VCF-style: chr9-116698876-C-T. GRCh37 (hg19) VCF-style: chr9-119461155-C-T.
Other names: c.1134C>T, p.Tyr378= (NM_001099679.2, NM_001379048.1, NM_001379049.1 and 1 more transcripts); c.2653+26895G>A (NM_014010.5); c.2794+26895G>A (NM_001365069.1); c.2806+26895G>A (NM_001365068.1).
Identifiers: ClinVar variation 195284 (VCV000195284.14), dbSNP rs776448126, ClinGen allele CA241641.